The following is an entry in ClinVar:

ClinVar aggregate classification (germline): Likely benign. Review status: criteria provided, multiple submitters, no conflicts (2 of 4 stars). 3 submissions from 3 submitters: Likely benign (2). 1 of the submissions does not count toward it. Last evaluated 2025-03-17.

Conditions:
HIVEP2-related disorder. Also called: HIVEP2-related condition.

Allele frequency attached by ClinVar (database versions not stated): ExAC 0.00001; gnomAD 0.00003; gnomAD exomes 0.00004.
gnomAD v4.1: 63 of 1,614,068 alleles (0.0039%); highest among the groups gnomAD compares: Non-Finnish European, 0.0052%; no homozygotes.

Submissions (3):

Labcorp Genetics (formerly Invitae), Labcorp
Classification: Likely benign. Last evaluated: 2025-03-17. Review status: criteria provided, single submitter. Criteria: Invitae Variant Classification Sherloc (09022015). Collection method: clinical testing. Allele origin: germline.

CeGaT Center for Human Genetics Tuebingen
Classification: Likely benign. Last evaluated: 2023-01-01. Review status: criteria provided, single submitter. Criteria: CeGaT Center For Human Genetics Tuebingen Variant Classification Criteria Version 2. Collection method: clinical testing. Allele origin: germline. Affected: yes. Observed: 1 variant allele.
Comment: HIVEP2: BP4, BP7

PreventionGenetics, part of Exact Sciences
Classification: Likely benign for HIVEP2-related condition. Last evaluated: 2022-10-17. Review status: no assertion criteria provided. Collection method: clinical testing. Allele origin: germline. Not counted in ClinVar's aggregate classification.
Comment: This variant is classified as likely benign based on ACMG/AMP sequence variant interpretation guidelines (Richards et al. 2015 PMID: 25741868, with internal and published modifications).

NM_006734.4(HIVEP2):c.4485G>A (p.Leu1495=)

Gene: HIVEP2 (HIVEP zinc finger 2; minus strand). Cytogenetic location: 6q24.2.
Variant type: single nucleotide variant.
Coding change: c.4485G>A on transcript NM_006734.4 (MANE Select); coding-DNA position 4485, G replaced by A.
Protein change: p.Leu1495=; no amino-acid change (leucine 1495 retained).
Molecular consequence: synonymous variant.
Genome position (GRCh38, 1-based): chr6:142,770,254, C>T on the plus strand (G>A on the coding strand, the complement: HIVEP2 is on the minus strand). VCF-style: chr6-142770254-C-T. GRCh37 (hg19) VCF-style: chr6-143091391-C-T.
Other names: c.4485G>A (NM_006734.3).
Identifiers: ClinVar variation 2418975 (VCV002418975.34), dbSNP rs777055037, ClinGen allele CA4028071.